The following is an entry in ClinVar:

ClinVar aggregate classification (germline): Benign/Likely benign. Review status: criteria provided, multiple submitters, no conflicts (2 of 4 stars). 4 submissions from 4 submitters: Benign (2); Likely benign (1). 1 of the submissions does not count toward it. Last evaluated 2025-12-29.

Conditions:
Rod-cone dystrophy. Identifiers: MedGen C4551714, HP:0000510.

Allele frequency attached by ClinVar (database versions not stated): 1000 Genomes Project 30x 0.00219; 1000 Genomes Project 0.00240; gnomAD 0.00243 and 0.00263; TOPMed 0.00252; gnomAD exomes 0.00059; ExAC 0.00077; ESP Exome Variant Server 0.00200.
gnomAD v4.1: 682 of 1,613,816 alleles (0.042%); highest among the groups gnomAD compares: African/African-American, 0.82%; 7 homozygotes.

Submissions (4):

Labcorp Genetics (formerly Invitae), Labcorp
Classification: Benign. Last evaluated: 2025-12-29. Review status: criteria provided, single submitter. Criteria: Invitae Variant Classification Sherloc (09022015). Collection method: clinical testing. Allele origin: germline.

Blueprint Genetics
Classification: Likely benign. Last evaluated: 2024-08-22. Review status: criteria provided, single submitter. Criteria: ACMG Guidelines, 2015. Collection method: clinical testing. Allele origin: germline.

GeneDx
Classification: Benign. Last evaluated: 2024-05-29. Review status: criteria provided, single submitter. Criteria: GeneDx Variant Classification Process June 2021. Collection method: clinical testing. Allele origin: germline. Affected: yes.
Comment: See Variant Classification Assertion Criteria.

Department of Pathology and Laboratory Medicine, Sinai Health System
Classification: Likely benign for Rod-cone dystrophy. Review status: no assertion criteria provided. Collection method: clinical testing. Allele origin: unknown. Affected: yes. Study: The Canadian Open Genetics Repository (COGR). Not counted in ClinVar's aggregate classification.
Comment: The GUCA1A p.G69C variant was not identified in the literature but was identified in dbSNP (ID: rs146354667) and ClinVar (classified as uncertain significance by GeneDx and as benign by Invitae). The variant was identified in control databases in 228 of 282228 chromosomes (1 homozygous) at a frequency of 0.0008079, and was observed at the highest frequency in the African population in 207 of 24942 chromosomes (1 homozygous) (freq: 0.008299) (Genome Aggregation Database March 6, 2019, v2.1.1). The p.G69 residue is conserved in mammals and computational analyses (MUT Assesor, PolyPhen-2, SIFT, MutationTaster, Revel, FATHMM, MetaLR, DANN) suggest that the variant may impact the protein; however, this information is not predictive enough to assume pathogenicity. The variant occurs outside of the splicing consensus sequence and in silico or computational prediction software programs (Splice AI exome) do not predict an effect on splicing. In summary, based on the above information the clinical significance of this variant cannot be determined with certainty at this time although we would lean towards a more benign role for this variant. This variant is classified as likely benign.

NM_001384910.1(GUCA1A):c.205G>T (p.Gly69Cys)

Genes: GUCA1A (guanylate cyclase activator 1A; plus strand), GUCA1ANB-GUCA1A (GUCA1ANB-GUCA1A readthrough; plus strand). Cytogenetic location: 6p21.1.
Variant type: single nucleotide variant.
Coding change: c.205G>T on transcript NM_001384910.1 (MANE Select); coding-DNA position 205, G replaced by T.
Protein change: p.Gly69Cys; replaces glycine 69 with cysteine.
Molecular consequence: missense variant.
Genome position (GRCh38, 1-based): chr6:42,178,283, G>T. VCF-style: chr6-42178283-G-T. GRCh37 (hg19) VCF-style: chr6-42146021-G-T.
Other names: c.205G>T, p.Gly69Cys (NM_000409.5, NM_001319061.2, NM_001319062.2); short protein forms G69C.
Identifiers: ClinVar variation 377947 (VCV000377947.16), dbSNP rs146354667, ClinGen allele CA3805318.